The following is an entry in ClinVar:

NM_013432.5(TONSL):c.3152C>T (p.Ser1051Phe)

Gene: TONSL (tonsoku like, DNA repair protein; minus strand). Cytogenetic location: 8q24.3.
Variant type: single nucleotide variant.
Coding change: c.3152C>T on transcript NM_013432.5 (MANE Select); coding-DNA position 3152, C replaced by T.
Protein change: p.Ser1051Phe; replaces serine 1051 with phenylalanine.
Molecular consequence: missense variant.
Genome position (GRCh38, 1-based): chr8:144,434,213, G>A on the plus strand (C>T on the coding strand, the complement: TONSL is on the minus strand). VCF-style: chr8-144434213-G-A. GRCh37 (hg19) VCF-style: chr8-145659596-G-A.
Other names: c.3152C>T (NM_013432.4); short protein forms S1051F.
Identifiers: ClinVar variation 2067601 (VCV002067601.2), dbSNP rs782068149, ClinGen allele CA4942582.

ClinVar aggregate classification (germline): Uncertain significance. Review status: criteria provided, multiple submitters, no conflicts (2 of 4 stars). 2 submissions from 2 submitters: Uncertain significance (2). Last evaluated 2025-02-19.

Conditions:
Inborn genetic diseases. Identifiers: MedGen C0950123, MeSH D030342.

Allele frequency attached by ClinVar (database versions not stated): gnomAD exomes 0.00005; ExAC 0.00009; gnomAD 0.00009; TOPMed 0.00025.
gnomAD v4.1: 85 of 1,567,266 alleles (0.0054%); highest among the groups gnomAD compares: Admixed American, 0.044%; no homozygotes.

Submissions (2):

Ambry Genetics
Classification: Uncertain significance for Inborn genetic diseases. Last evaluated: 2025-02-19. Review status: criteria provided, single submitter. Criteria: Ambry Variant Classification Scheme 2023. Collection method: clinical testing. Allele origin: germline.

Labcorp Genetics (formerly Invitae), Labcorp
Classification: Uncertain significance. Last evaluated: 2022-05-31. Review status: criteria provided, single submitter. Criteria: Invitae Variant Classification Sherloc (09022015). Collection method: clinical testing. Allele origin: germline.
Comment: This sequence change replaces serine, which is neutral and polar, with phenylalanine, which is neutral and non-polar, at codon 1051 of the TONSL protein (p.Ser1051Phe). This variant is present in population databases (rs782068149, gnomAD 0.04%). This variant has not been reported in the literature in individuals affected with TONSL-related conditions. Algorithms developed to predict the effect of missense changes on protein structure and function are either unavailable or do not agree on the potential impact of this missense change (SIFT: "Deleterious"; PolyPhen-2: "Probably Damaging"; Align-GVGD: "Class C0"). In summary, the available evidence is currently insufficient to determine the role of this variant in disease. Therefore, it has been classified as a Variant of Uncertain Significance.